The following is an entry in ClinVar:

ClinVar aggregate classification (germline): Uncertain significance. Review status: criteria provided, multiple submitters, no conflicts (2 of 4 stars). 3 submissions from 3 submitters: Uncertain significance (3). Last evaluated 2025-12-29.

Conditions:
Hereditary cancer-predisposing syndrome. Also called: Neoplastic Syndromes, Hereditary; Hereditary Cancer Syndrome; Hereditary neoplastic syndrome; Tumor predisposition. Identifiers: Orphanet 140162, MedGen C0027672, MeSH D009386, MONDO:0015356.

Allele frequency attached by ClinVar (database versions not stated): gnomAD exomes below 0.00001; TOPMed 0.00001.
gnomAD v4.1: 1 of 1,613,742 alleles (0.000062%); highest among the groups gnomAD compares: South Asian, 0.0011%; no homozygotes.

Submissions (3):

Center for Genomic Medicine, Rigshospitalet, Copenhagen University Hospital
Classification: Uncertain significance. Last evaluated: 2025-12-29. Review status: criteria provided, single submitter. Criteria: ACMG Guidelines, 2015. Collection method: clinical testing. Allele origin: germline.

Labcorp Genetics (formerly Invitae), Labcorp
Classification: Uncertain significance. Last evaluated: 2025-07-02. Review status: criteria provided, single submitter. Criteria: Invitae Variant Classification Sherloc (09022015). Collection method: clinical testing. Allele origin: germline.
Comment: This sequence change replaces isoleucine, which is neutral and non-polar, with threonine, which is neutral and polar, at codon 553 of the CTNNA1 protein (p.Ile553Thr). This variant is present in population databases (no rsID available, gnomAD 0.003%). This variant has not been reported in the literature in individuals affected with CTNNA1-related conditions. ClinVar contains an entry for this variant (Variation ID: 1423130). Invitae Evidence Modeling of protein sequence and biophysical properties (such as structural, functional, and spatial information, amino acid conservation, physicochemical variation, residue mobility, and thermodynamic stability) indicates that this missense variant is not expected to disrupt CTNNA1 protein function with a negative predictive value of 80%. In summary, the available evidence is currently insufficient to determine the role of this variant in disease. Therefore, it has been classified as a Variant of Uncertain Significance.

Ambry Genetics
Classification: Uncertain significance for Hereditary cancer-predisposing syndrome. Last evaluated: 2023-12-06. Review status: criteria provided, single submitter. Criteria: Ambry Variant Classification Scheme 2023. Collection method: clinical testing. Allele origin: germline.
Comment: The p.I553T variant (also known as c.1658T>C), located in coding exon 11 of the CTNNA1 gene, results from a T to C substitution at nucleotide position 1658. The isoleucine at codon 553 is replaced by threonine, an amino acid with similar properties. This amino acid position is well conserved in available vertebrate species. In addition, the in silico prediction for this alteration is inconclusive. The evidence for this gene-disease relationship is limited; therefore, the clinical significance of this alteration is unclear.

NM_001903.5(CTNNA1):c.1658T>C (p.Ile553Thr)

Gene: CTNNA1 (catenin alpha 1; plus strand). Cytogenetic location: 5q31.2.
Variant type: single nucleotide variant.
Coding change: c.1658T>C on transcript NM_001903.5 (MANE Select); coding-DNA position 1658, T replaced by C.
Protein change: p.Ile553Thr; replaces isoleucine 553 with threonine.
Molecular consequence: missense variant.
Genome position (GRCh38, 1-based): chr5:138,924,621, T>C. VCF-style: chr5-138924621-T-C. GRCh37 (hg19) VCF-style: chr5-138260310-T-C.
Other names: c.1658T>C, p.Ile553Thr (NM_001290307.3, NM_001323982.2, NM_001323983.1 and 2 more transcripts); c.1349T>C, p.Ile450Thr (NM_001290309.3); c.1289T>C, p.Ile430Thr (NM_001290310.3); c.548T>C, p.Ile183Thr (NM_001290312.1, NM_001323987.1, NM_001323988.1 and 17 more transcripts); c.1565T>C, p.Ile522Thr (NM_001323986.2); c.209T>C, p.Ile70Thr (NM_001324006.1, NM_001324007.1, NM_001324008.1 and 2 more transcripts); c.455T>C, p.Ile152Thr (NM_001324011.1); c.305T>C, p.Ile102Thr (NM_001324012.1, NM_001324013.1); and 1 more; short protein forms I553T, I102T, I152T, I450T, I183T, I430T, I522T, I70T.
Identifiers: ClinVar variation 1423130 (VCV001423130.8), dbSNP rs1012760007, ClinGen allele CA128217038.
Genomic context (GRCh38, chr5:138,924,621, plus strand): 5'-AGGATGTGGATGGCCTGGACCGCACAGCTGGTGCAATTCGAGGCCGGGCAGCCCGGGTCA[T>C]TCACGTAGTCACCTCAGAGATGGACAACTATGAGCCAGGAGTCTACACAGAGAAGGTTCT-3'
Protein context (NP_001894.2, residues 543-563): GAIRGRAARV[Ile553Thr]HVVTSEMDNY